The following is an entry in ClinVar:

ClinVar aggregate classification (germline): Uncertain significance. Review status: criteria provided, multiple submitters, no conflicts (2 of 4 stars). 2 submissions from 2 submitters: Uncertain significance (2). Last evaluated 2022-01-13.

Allele frequency attached by ClinVar (database versions not stated): gnomAD exomes below 0.00001 and 0.00001; TOPMed below 0.00001; gnomAD 0.00001; 1000 Genomes Project 30x 0.00016; 1000 Genomes Project 0.00020.
gnomAD v4.1: 3 of 1,551,000 alleles (0.00019%); highest among the groups gnomAD compares: East Asian, 0.0073%; no homozygotes.

Submissions (2):

GeneDx
Classification: Uncertain significance. Last evaluated: 2022-01-13. Review status: criteria provided, single submitter. Criteria: GeneDx Variant Classification Process June 2021. Collection method: clinical testing. Allele origin: germline. Affected: yes.
Comment: Has not been previously published as pathogenic or benign to our knowledge; In silico analysis supports that this missense variant does not alter protein structure/function; Not observed at significant frequency in large population cohorts (gnomAD)

Labcorp Genetics (formerly Invitae), Labcorp
Classification: Uncertain significance. Last evaluated: 2021-09-01. Review status: criteria provided, single submitter. Criteria: Invitae Variant Classification Sherloc (09022015). Collection method: clinical testing. Allele origin: germline.

NM_001371986.1(UNC80):c.3493G>C (p.Asp1165His)

Gene: UNC80 (unc-80 homolog, NALCN channel complex subunit; plus strand). Cytogenetic location: 2q34.
Variant type: single nucleotide variant.
Coding change: c.3493G>C on transcript NM_001371986.1 (MANE Select); coding-DNA position 3493, G replaced by C.
Protein change: p.Asp1165His; replaces aspartic acid 1165 with histidine.
Molecular consequence: missense variant.
Genome position (GRCh38, 1-based): chr2:209,849,489, G>C. VCF-style: chr2-209849489-G-C. GRCh37 (hg19) VCF-style: chr2-210714213-G-C.
Other names: c.3499G>C, p.Asp1167His (NM_032504.2); c.3484G>C, p.Asp1162His (NM_182587.4); short protein forms D1162H, D1165H, D1167H.
Identifiers: ClinVar variation 1334351 (VCV001334351.5), dbSNP rs181768336, ClinGen allele CA65032884.